The following is an entry in ClinVar:

NC_000016.10:g.67660410C>T

Genes: ACD (ACD shelterin complex subunit and telomerase recruitment factor; minus strand), LOC130059224 (ATAC-STARR-seq lymphoblastoid silent region 7617; plus strand). Cytogenetic location: 16q22.1.
Variant type: single nucleotide variant.
Genome position: GRCh38 VCF-style: chr16-67660410-C-T. GRCh37 (hg19) VCF-style: chr16-67694313-C-T.
Identifiers: ClinVar variation 741364 (VCV000741364.13), dbSNP rs554258142, ClinGen allele CA8114935.

ClinVar aggregate classification (germline): Likely benign. Review status: criteria provided, multiple submitters, no conflicts (2 of 4 stars). 3 submissions from 3 submitters: Likely benign (2). 1 of the submissions does not count toward it. Last evaluated 2024-08-27.

Conditions:
Inborn genetic diseases. Identifiers: MedGen C0950123, MeSH D030342.
Dyskeratosis congenita, autosomal dominant 6 (DKCA6). Identifiers: Orphanet 3322, MedGen C4225284, MONDO:0014690, OMIM 616553.
ACD-related disorder. Also called: ACD-related condition.

Submissions (3):

Labcorp Genetics (formerly Invitae), Labcorp
Classification: Likely benign for Dyskeratosis congenita, autosomal dominant 6. Last evaluated: 2024-08-27. Review status: criteria provided, single submitter. Criteria: Invitae Variant Classification Sherloc (09022015). Collection method: clinical testing. Allele origin: germline.

Ambry Genetics
Classification: Likely benign for Inborn genetic diseases. Last evaluated: 2022-05-12. Review status: criteria provided, single submitter. Criteria: Ambry Variant Classification Scheme 2023. Collection method: clinical testing. Allele origin: germline.

PreventionGenetics, part of Exact Sciences
Classification: Likely benign for ACD-related condition. Last evaluated: 2019-07-25. Review status: no assertion criteria provided. Collection method: clinical testing. Allele origin: germline. Not counted in ClinVar's aggregate classification.
Comment: This variant is classified as likely benign based on ACMG/AMP sequence variant interpretation guidelines (Richards et al. 2015 PMID: 25741868, with internal and published modifications).